The following is an entry in ClinVar:

NM_001909.5(CTSD):c.301T>C (p.Ser101Pro)

Gene: CTSD (cathepsin D; minus strand). Cytogenetic location: 11p15.5.
Variant type: single nucleotide variant.
Coding change: c.301T>C on transcript NM_001909.5 (MANE Select); coding-DNA position 301, T replaced by C.
Protein change: p.Ser101Pro; replaces serine 101 with proline.
Molecular consequence: missense variant.
Genome position (GRCh38, 1-based): chr11:1,759,567, A>G on the plus strand (T>C on the coding strand, the complement: CTSD is on the minus strand). VCF-style: chr11-1759567-A-G. GRCh37 (hg19) VCF-style: chr11-1780797-A-G.
Other names: short protein forms S101P.
Identifiers: ClinVar variation 657638 (VCV000657638.9), dbSNP rs1049074086, ClinGen allele CA216175589.

ClinVar aggregate classification (germline): Uncertain significance (1 of 4 stars; one submission).

Conditions:
Neuronal ceroid lipofuscinosis. Also called: Neuronal Ceroid Lipofuscinoses. Identifiers: Orphanet 216, Orphanet 79263, MedGen C0027877, MONDO:0016295. Disease mechanism: loss of function.

Allele frequency attached by ClinVar (database versions not stated): gnomAD 0.00001; TOPMed 0.00001.
gnomAD v4.1: 2 of 1,613,444 alleles (0.00012%); highest among the groups gnomAD compares: African/African-American, 0.0013%; no homozygotes.

Submission:

Labcorp Genetics (formerly Invitae), Labcorp
Classification: Uncertain significance for Neuronal ceroid lipofuscinosis. Last evaluated: 2022-12-02. Review status: criteria provided, single submitter. Criteria: Invitae Variant Classification Sherloc (09022015). Collection method: clinical testing. Allele origin: germline.
Comment: ClinVar contains an entry for this variant (Variation ID: 657638). Advanced modeling of protein sequence and biophysical properties (such as structural, functional, and spatial information, amino acid conservation, physicochemical variation, residue mobility, and thermodynamic stability) has been performed at Invitae for this missense variant, however the output from this modeling did not meet the statistical confidence thresholds required to predict the impact of this variant on CTSD protein function. In summary, the available evidence is currently insufficient to determine the role of this variant in disease. Therefore, it has been classified as a Variant of Uncertain Significance. This variant has not been reported in the literature in individuals affected with CTSD-related conditions. This sequence change replaces serine, which is neutral and polar, with proline, which is neutral and non-polar, at codon 101 of the CTSD protein (p.Ser101Pro). This variant is not present in population databases (gnomAD no frequency).